The following is an entry in ClinVar:

NM_005732.4(RAD50):c.2549G>A (p.Arg850His)

Gene: RAD50 (RAD50 double strand break repair protein; plus strand). Cytogenetic location: 5q31.1.
Variant type: single nucleotide variant.
Coding change: c.2549G>A on transcript NM_005732.4 (MANE Select); coding-DNA position 2549, G replaced by A.
Protein change: p.Arg850His; replaces arginine 850 with histidine.
Molecular consequence: missense variant.
Genome position (GRCh38, 1-based): chr5:132,604,830, G>A. VCF-style: chr5-132604830-G-A. GRCh37 (hg19) VCF-style: chr5-131940522-G-A.
Other names: short protein forms R850H.
Identifiers: ClinVar variation 233818 (VCV000233818.15), dbSNP rs375315737, ClinGen allele CA3405427.
Genomic context (GRCh38, chr5:132,604,830, plus strand): 5'-TTACATTAATTACTGTGATAATATGTTTTTGTGTAGTTTCTAGTAAGATTGAATTGAATC[G>A]TAAGCTTATACAGGACCAGCAGGAACAGATTCAACATCTAAAAAGTACAACAAATGAGCT-3'
Protein context (NP_005723.2, residues 840-860): DTVSSKIELN[Arg850His]KLIQDQQEQI

ClinVar aggregate classification (germline): Uncertain significance. Review status: criteria provided, multiple submitters, no conflicts (2 of 4 stars). 3 submissions from 3 submitters: Uncertain significance (3). Last evaluated 2025-04-28.

Conditions:
Hereditary cancer-predisposing syndrome. Also called: Neoplastic Syndromes, Hereditary; Tumor predisposition; Hereditary Cancer Syndrome; Hereditary neoplastic syndrome. Identifiers: Orphanet 140162, MedGen C0027672, MeSH D009386, MONDO:0015356.
Nijmegen breakage syndrome-like disorder (NBSLD). Also called: MICROCEPHALY AND SPONTANEOUS CHROMOSOME INSTABILITY WITHOUT IMMUNODEFICIENCY; NBS-LIKE DISORDER; RAD50 DEFICIENCY. Identifiers: Orphanet 240760, MedGen C2751318, MONDO:0013118, OMIM 613078.

Allele frequency attached by ClinVar (database versions not stated): gnomAD 0.00001; gnomAD exomes 0.00001; TOPMed 0.00001; ExAC 0.00002; ESP Exome Variant Server 0.00008.
gnomAD v4.1: 14 of 1,612,074 alleles (0.00087%); highest among the groups gnomAD compares: African/African-American, 0.0013%; no homozygotes.

Submissions (3):

Labcorp Genetics (formerly Invitae), Labcorp
Classification: Uncertain significance for Hereditary cancer-predisposing syndrome. Last evaluated: 2025-04-28. Review status: criteria provided, single submitter. Criteria: Invitae Variant Classification Sherloc (09022015). Collection method: clinical testing. Allele origin: germline.
Comment: This sequence change replaces arginine, which is basic and polar, with histidine, which is basic and polar, at codon 850 of the RAD50 protein (p.Arg850His). This variant is present in population databases (rs375315737, gnomAD 0.008%). This variant has not been reported in the literature in individuals affected with RAD50-related conditions. ClinVar contains an entry for this variant (Variation ID: 233818). Invitae Evidence Modeling of protein sequence and biophysical properties (such as structural, functional, and spatial information, amino acid conservation, physicochemical variation, residue mobility, and thermodynamic stability) indicates that this missense variant is not expected to disrupt RAD50 protein function with a negative predictive value of 80%. In summary, the available evidence is currently insufficient to determine the role of this variant in disease. Therefore, it has been classified as a Variant of Uncertain Significance.

Baylor Genetics
Classification: Uncertain significance for Nijmegen breakage syndrome-like disorder. Last evaluated: 2024-01-31. Review status: criteria provided, single submitter. Criteria: ACMG Guidelines, 2015. Collection method: clinical testing. Allele origin: unknown.

Ambry Genetics
Classification: Uncertain significance for Hereditary cancer-predisposing syndrome. Last evaluated: 2023-10-04. Review status: criteria provided, single submitter. Criteria: Ambry Variant Classification Scheme 2023. Collection method: clinical testing. Allele origin: germline.
Comment: The p.R850H variant (also known as c.2549G>A), located in coding exon 16 of the RAD50 gene, results from a G to A substitution at nucleotide position 2549. The arginine at codon 850 is replaced by histidine, an amino acid with highly similar properties. This amino acid position is well conserved in available vertebrate species. In addition, the in silico prediction for this alteration is inconclusive. Since supporting evidence is limited at this time, the clinical significance of this alteration remains unclear.